The following is an entry in ClinVar:

ClinVar aggregate classification (germline): Conflicting classifications of pathogenicity. Review status: criteria provided, conflicting classifications (1 of 4 stars). 2 submissions from 2 submitters: Uncertain significance (1); Likely benign (1). Last evaluated 2023-03-23.

Conditions:
Hereditary cancer-predisposing syndrome. Also called: Tumor predisposition; Neoplastic Syndromes, Hereditary; Hereditary neoplastic syndrome; Hereditary Cancer Syndrome. Identifiers: Orphanet 140162, MedGen C0027672, MeSH D009386, MONDO:0015356.
Hereditary breast ovarian cancer syndrome. Also called: Hereditary breast and ovarian cancer syndrome; Breast and ovarian cancer; Hereditary breast and/or ovarian cancer syndrome; Hereditary breast and ovarian cancer; BRCA1- and BRCA2-Associated Hereditary Breast and Ovarian Cancer; Hereditary breast and ovarian cancer syndrome (HBOC). Identifiers: Orphanet 145, MedGen C0677776, MeSH D061325, MONDO:0003582. Disease mechanism: loss of function.

Submissions (2):

University of Washington Department of Laboratory Medicine, University of Washington
Classification: Likely benign for Hereditary cancer-predisposing syndrome. Last evaluated: 2023-03-23. Review status: criteria provided, single submitter. Criteria: Dines et al. (Genet Med. 2020). Collection method: curation. Allele origin: germline.
Comment: Missense variant in a coldspot region where missense variants are very unlikely to be pathogenic (PMID:31911673).

BRCA2 exon 11 coldspot. Reclassification based on statistical prior probability.

Labcorp Genetics (formerly Invitae), Labcorp
Classification: Uncertain significance for Hereditary breast ovarian cancer syndrome. Last evaluated: 2019-04-12. Review status: criteria provided, single submitter. Criteria: Invitae Variant Classification Sherloc (09022015). Collection method: clinical testing. Allele origin: germline.
Comment: In summary, the available evidence is currently insufficient to determine the role of this variant in disease. Therefore, it has been classified as a Variant of Uncertain Significance. Algorithms developed to predict the effect of missense changes on protein structure and function output the following: SIFT: "Tolerated"; PolyPhen-2: "Benign"; Align-GVGD: "Class C0". The glutamic acid amino acid residue is found in multiple mammalian species, suggesting that this missense change does not adversely affect protein function. These predictions have not been confirmed by published functional studies and their clinical significance is uncertain. This sequence change replaces glutamine with glutamic acid at codon 819 of the BRCA2 protein (p.Gln819Glu). The glutamine residue is weakly conserved and there is a small physicochemical difference between glutamine and glutamic acid. This variant has not been reported in the literature in individuals with BRCA2-related conditions. This variant is not present in population databases (ExAC no frequency).

NM_000059.4(BRCA2):c.2455C>G (p.Gln819Glu)

Gene: BRCA2 (BRCA2 DNA repair associated; plus strand). Cytogenetic location: 13q13.1.
Variant type: single nucleotide variant.
Coding change: c.2455C>G on transcript NM_000059.4 (MANE Select); coding-DNA position 2455, C replaced by G.
Protein change: p.Gln819Glu; replaces glutamine 819 with glutamic acid.
Molecular consequence: missense variant.
Genome position (GRCh38, 1-based): chr13:32,336,810, C>G. VCF-style: chr13-32336810-C-G. GRCh37 (hg19) VCF-style: chr13-32910947-C-G.
Other names: short protein forms Q819E.
Identifiers: ClinVar variation 851457 (VCV000851457.11), dbSNP rs397507629, ClinGen allele CA387772300.
Genomic context (GRCh38, chr13:32,336,810, plus strand): 5'-AAAGGTAACAATTATGAATCTGATGTTGAATTAACCAAAAATATTCCCATGGAAAAGAAT[C>G]AAGATGTATGTGCTTTAAATGAAAATTATAAAAACGTTGAGCTGTTGCCACCTGAAAAAT-3'
Protein context (NP_000050.3, residues 809-829): LTKNIPMEKN[Gln819Glu]DVCALNENYK